The following is an entry in ClinVar:

ClinVar aggregate classification (germline): Conflicting classifications of pathogenicity. Review status: criteria provided, conflicting classifications (1 of 4 stars). 2 submissions from 2 submitters: Uncertain significance (1); Likely benign (1). Last evaluated 2023-03-23.

Conditions:
Hereditary cancer-predisposing syndrome. Also called: Neoplastic Syndromes, Hereditary; Tumor predisposition; Hereditary neoplastic syndrome; Hereditary Cancer Syndrome. Identifiers: Orphanet 140162, MedGen C0027672, MeSH D009386, MONDO:0015356.
Hereditary breast ovarian cancer syndrome. Also called: Hereditary breast and ovarian cancer; Hereditary breast and ovarian cancer syndrome; Hereditary breast and ovarian cancer syndrome (HBOC); Hereditary breast and/or ovarian cancer syndrome; Breast and ovarian cancer; BRCA1- and BRCA2-Associated Hereditary Breast and Ovarian Cancer. Identifiers: Orphanet 145, MedGen C0677776, MeSH D061325, MONDO:0003582. Disease mechanism: loss of function.

Submissions (2):

University of Washington Department of Laboratory Medicine, University of Washington
Classification: Likely benign for Hereditary cancer-predisposing syndrome. Last evaluated: 2023-03-23. Review status: criteria provided, single submitter. Criteria: Dines et al. (Genet Med. 2020). Collection method: curation. Allele origin: germline.
Comment: Missense variant in a coldspot region where missense variants are very unlikely to be pathogenic (PMID:31911673).

BRCA2 exon 11 coldspot. Reclassification based on statistical prior probability.

Labcorp Genetics (formerly Invitae), Labcorp
Classification: Uncertain significance for Hereditary breast ovarian cancer syndrome. Last evaluated: 2020-08-09. Review status: criteria provided, single submitter. Criteria: Invitae Variant Classification Sherloc (09022015). Collection method: clinical testing. Allele origin: germline.
Comment: In summary, the available evidence is currently insufficient to determine the role of this variant in disease. Therefore, it has been classified as a Variant of Uncertain Significance. Algorithms developed to predict the effect of missense changes on protein structure and function output the following: SIFT: "Tolerated"; PolyPhen-2: "Possibly Damaging"; Align-GVGD: "Class C0". The threonine amino acid residue is found in multiple mammalian species, suggesting that this missense change does not adversely affect protein function. These predictions have not been confirmed by published functional studies and their clinical significance is uncertain. This variant has not been reported in the literature in individuals with BRCA2-related disease. This variant is not present in population databases (ExAC no frequency). This sequence change replaces arginine with threonine at codon 1217 of the BRCA2 protein (p.Arg1217Thr). The arginine residue is weakly conserved and there is a moderate physicochemical difference between arginine and threonine.

NM_000059.4(BRCA2):c.3650G>C (p.Arg1217Thr)

Gene: BRCA2 (BRCA2 DNA repair associated; plus strand). Cytogenetic location: 13q13.1.
Variant type: single nucleotide variant.
Coding change: c.3650G>C on transcript NM_000059.4 (MANE Select); coding-DNA position 3650, G replaced by C.
Protein change: p.Arg1217Thr; replaces arginine 1217 with threonine.
Molecular consequence: missense variant.
Genome position (GRCh38, 1-based): chr13:32,338,005, G>C. VCF-style: chr13-32338005-G-C. GRCh37 (hg19) VCF-style: chr13-32912142-G-C.
Other names: short protein forms R1217T.
Identifiers: ClinVar variation 642213 (VCV000642213.10), dbSNP rs1306577496, ClinGen allele CA387777953.